The following is an entry in ClinVar:

NM_006361.6(HOXB13):c.434A>C (p.Asp145Ala)

Gene: HOXB13 (homeobox B13; minus strand). Cytogenetic location: 17q21.32.
Variant type: single nucleotide variant.
Coding change: c.434A>C on transcript NM_006361.6 (MANE Select); coding-DNA position 434, A replaced by C.
Protein change: p.Asp145Ala; replaces aspartic acid 145 with alanine.
Molecular consequence: missense variant.
Genome position (GRCh38, 1-based): chr17:48,728,160, T>G on the plus strand (A>C on the coding strand, the complement: HOXB13 is on the minus strand). VCF-style: chr17-48728160-T-G. GRCh37 (hg19) VCF-style: chr17-46805522-T-G.
Other names: short protein forms D145A.
Identifiers: ClinVar variation 3858425 (VCV003858425.1).

ClinVar aggregate classification (germline): Uncertain significance (1 of 4 stars; one submission).

Conditions:
Hereditary cancer-predisposing syndrome. Also called: Hereditary neoplastic syndrome; Neoplastic Syndromes, Hereditary; Tumor predisposition; Hereditary Cancer Syndrome. Identifiers: Orphanet 140162, MedGen C0027672, MeSH D009386, MONDO:0015356.

Submission:

Ambry Genetics
Classification: Uncertain significance for Hereditary cancer-predisposing syndrome. Last evaluated: 2024-12-25. Review status: criteria provided, single submitter. Criteria: Ambry Variant Classification Scheme 2023. Collection method: clinical testing. Allele origin: germline.
Comment: The p.D145A variant (also known as c.434A>C), located in coding exon 1 of the HOXB13 gene, results from an A to C substitution at nucleotide position 434. The aspartic acid at codon 145 is replaced by alanine, an amino acid with dissimilar properties. This amino acid position is conserved. In addition, this alteration is predicted to be deleterious by in silico analysis. Based on the available evidence, the clinical significance of this variant remains unclear.